The following is an entry in ClinVar:

ClinVar aggregate classification (germline): Likely pathogenic (1 of 4 stars; one submission).

Conditions:
Hereditary spastic paraplegia 15 (SPG15). Also called: SPASTIC PARAPLEGIA 15, AUTOSOMAL RECESSIVE; KJELLIN SYNDROME; SPASTIC PARAPLEGIA AND RETINAL DEGENERATION. Identifiers: Orphanet 100996, MedGen C1849128, MONDO:0010044, OMIM 270700.

Submission:

Myriad Genetics, Inc.
Classification: Likely pathogenic for Hereditary spastic paraplegia 15. Last evaluated: 2022-01-08. Review status: criteria provided, single submitter. Criteria: Myriad Women's Health Autosomal Recessive and X-Linked Classification Criteria (2021). Collection method: clinical testing. Allele origin: unknown.
Comment: NM_015346.3(ZFYVE26):c.1198G>T(E400*) is expected to be pathogenic in the context of spastic paraplegia type 15. This variant is predicted to lead to an abnormal or absent protein product due to the creation of a premature termination codon in ZFYVE26, a gene where loss-of-function variants are known to be pathogenic. Please note: this variant was assessed in the context of healthy population screening.

NM_015346.4(ZFYVE26):c.1198G>T (p.Glu400Ter)

Gene: ZFYVE26 (zinc finger FYVE-type containing 26; minus strand). Cytogenetic location: 14q24.1.
Variant type: single nucleotide variant.
Coding change: c.1198G>T on transcript NM_015346.4 (MANE Select); coding-DNA position 1198, G replaced by T.
Protein change: p.Glu400Ter; replaces glutamic acid 400 with a stop codon.
Molecular consequence: nonsense.
Genome position (GRCh38, 1-based): chr14:67,805,290, C>A on the plus strand (G>T on the coding strand, the complement: ZFYVE26 is on the minus strand). VCF-style: chr14-67805290-C-A. GRCh37 (hg19) VCF-style: chr14-68272007-C-A.
Other names: short protein forms E400*.
Identifiers: ClinVar variation 1723903 (VCV001723903.2), dbSNP rs2502873811, ClinGen allele CA390177185.